The following is an entry in ClinVar:

ClinVar aggregate classification (germline): Uncertain significance. Review status: criteria provided, multiple submitters, no conflicts (2 of 4 stars). 2 submissions from 2 submitters: Uncertain significance (2). Last evaluated 2026-03-26.

Conditions:
Inborn genetic diseases. Identifiers: MedGen C0950123, MeSH D030342.

Submissions (2):

Ambry Genetics
Classification: Uncertain significance for Inborn genetic diseases. Last evaluated: 2026-03-26. Review status: criteria provided, single submitter. Criteria: Ambry Variant Classification Scheme 2023. Collection method: clinical testing. Allele origin: germline.

Labcorp Genetics (formerly Invitae), Labcorp
Classification: Uncertain significance. Last evaluated: 2024-02-24. Review status: criteria provided, single submitter. Criteria: Invitae Variant Classification Sherloc (09022015). Collection method: clinical testing. Allele origin: germline.
Comment: This sequence change replaces glutamic acid, which is acidic and polar, with lysine, which is basic and polar, at codon 1363 of the TRPM1 protein (p.Glu1363Lys). This variant is not present in population databases (gnomAD no frequency). This variant has not been reported in the literature in individuals affected with TRPM1-related conditions. ClinVar contains an entry for this variant (Variation ID: 1486530). Algorithms developed to predict the effect of missense changes on protein structure and function output the following: SIFT: "Not Available"; PolyPhen-2: "Benign"; Align-GVGD: "Not Available". The lysine amino acid residue is found in multiple mammalian species, which suggests that this missense change does not adversely affect protein function. In summary, the available evidence is currently insufficient to determine the role of this variant in disease. Therefore, it has been classified as a Variant of Uncertain Significance.

NM_001252024.2(TRPM1):c.4153G>A (p.Glu1385Lys)

Gene: TRPM1 (transient receptor potential cation channel subfamily M member 1; minus strand). Cytogenetic location: 15q13.3.
Variant type: single nucleotide variant.
Coding change: c.4153G>A on transcript NM_001252024.2 (MANE Select); coding-DNA position 4153, G replaced by A.
Protein change: p.Glu1385Lys; replaces glutamic acid 1385 with lysine.
Molecular consequence: missense variant.
Genome position (GRCh38, 1-based): chr15:31,002,547, C>T on the plus strand (G>A on the coding strand, the complement: TRPM1 is on the minus strand). VCF-style: chr15-31002547-C-T. GRCh37 (hg19) VCF-style: chr15-31294750-C-T.
Other names: c.4087G>A, p.Glu1363Lys (NM_002420.6); c.4204G>A, p.Glu1402Lys (NM_001252020.2); c.4087G>A (NM_002420.4); short protein forms E1363K, E1385K, E1402K.
Identifiers: ClinVar variation 1486530 (VCV001486530.7), dbSNP rs2141099800, ClinGen allele CA391527750.
Genomic context (GRCh38, chr15:31,002,547, plus strand): 5'-TATTTAAACTTGGGGAAATAGTTTCTTCTTTTTTAGAGTCTGTCTGTCTTTCATCATCTT[C>T]CTTTGAAATCCCAATATCTGGACCTAATTTTGACTCTTCAGCGTTCTTTAAGTCATCTAC-3'
Protein context (NP_001238953.1, residues 1375-1395): KLGPDIGISK[Glu1385Lys]DDERQTDSKK